The following is an entry in ClinVar:

NM_005502.4(ABCA1):c.806C>A (p.Ala269Asp)

Gene: ABCA1 (ATP binding cassette subfamily A member 1; minus strand). Cytogenetic location: 9q31.1.
Variant type: single nucleotide variant.
Coding change: c.806C>A on transcript NM_005502.4 (MANE Select); coding-DNA position 806, C replaced by A.
Protein change: p.Ala269Asp; replaces alanine 269 with aspartic acid.
Molecular consequence: missense variant.
Genome position (GRCh38, 1-based): chr9:104,845,484, G>T on the plus strand (C>A on the coding strand, the complement: ABCA1 is on the minus strand). VCF-style: chr9-104845484-G-T. GRCh37 (hg19) VCF-style: chr9-107607765-G-T.
Other names: short protein forms A269D.
Identifiers: ClinVar variation 1466525 (VCV001466525.6), dbSNP rs2119052412, ClinGen allele CA374330230.
Genomic context (GRCh38, chr9:104,845,484, plus strand): 5'-AATACTGATACAGTGGATGATCCGCTTCCTGGTACTGGAAAGACACAACTTACCTCCTGG[G>T]CCAGAGTCCCAAGACTATGCAGCAATGTTTTTGTGGCTTCAGCCAGCTCCTTGCTCGGGA-3'
Protein context (NP_005493.2, residues 259-279): KTLLHSLGTL[Ala269Asp]QELFSMRSWS

ClinVar aggregate classification (germline): Uncertain significance (1 of 4 stars; one submission).

Submission:

Labcorp Genetics (formerly Invitae), Labcorp
Classification: Uncertain significance. Last evaluated: 2021-12-02. Review status: criteria provided, single submitter. Criteria: Invitae Variant Classification Sherloc (09022015). Collection method: clinical testing. Allele origin: germline.
Comment: This sequence change replaces alanine, which is neutral and non-polar, with aspartic acid, which is acidic and polar, at codon 269 of the ABCA1 protein (p.Ala269Asp). In summary, the available evidence is currently insufficient to determine the role of this variant in disease. Therefore, it has been classified as a Variant of Uncertain Significance. Advanced modeling of protein sequence and biophysical properties (such as structural, functional, and spatial information, amino acid conservation, physicochemical variation, residue mobility, and thermodynamic stability) performed at Invitae indicates that this missense variant is not expected to disrupt ABCA1 protein function. This variant has not been reported in the literature in individuals affected with ABCA1-related conditions. This variant is not present in population databases (gnomAD no frequency).